The following is an entry in ClinVar:

ClinVar aggregate classification (germline): Uncertain significance. Review status: criteria provided, multiple submitters, no conflicts (2 of 4 stars). 3 submissions from 3 submitters: Uncertain significance (2). 1 of the submissions does not count toward it. Last evaluated 2025-01-08.

Conditions:
Dyskeratosis congenita, autosomal recessive 5 (DKCB5). Identifiers: MedGen C3554656, MONDO:0014076, OMIM 615190.
Pulmonary fibrosis and/or bone marrow failure, Telomere-related, 3. Also called: PULMONARY FIBROSIS AND/OR BONE MARROW FAILURE SYNDROME, TELOMERE-RELATED, 3. Identifiers: Orphanet 2032, MedGen C4225346, MONDO:0014613, OMIM 616373.
Inborn genetic diseases. Identifiers: MedGen C0950123, MeSH D030342.
Pulmonary fibrosis. Identifiers: MedGen C0034069, MONDO:0002771, HP:0002206.

Allele frequency attached by ClinVar (database versions not stated): TOPMed below 0.00001; gnomAD 0.00001; gnomAD exomes 0.00001.
gnomAD v4.1: 9 of 1,612,428 alleles (0.00056%); highest among the groups gnomAD compares: Non-Finnish European, 0.00076%; no homozygotes.

Submissions (3):

Ambry Genetics
Classification: Uncertain significance for Inborn genetic diseases. Last evaluated: 2025-01-08. Review status: criteria provided, single submitter. Criteria: Ambry Variant Classification Scheme 2023. Collection method: clinical testing. Allele origin: germline.
Comment: The p.L1092P variant (also known as c.3275T>C), located in coding exon 31 of the RTEL1 gene, results from a T to C substitution at nucleotide position 3275. The leucine at codon 1092 is replaced by proline, an amino acid with similar properties. This amino acid position is conserved. In addition, the in silico prediction for this alteration is inconclusive. Based on the available evidence, the clinical significance of this variant remains unclear.

Labcorp Genetics (formerly Invitae), Labcorp
Classification: Uncertain significance for Dyskeratosis congenita, autosomal recessive 5; Pulmonary fibrosis and/or bone marrow failure, Telomere-related, 3. Last evaluated: 2023-03-07. Review status: criteria provided, single submitter. Criteria: Invitae Variant Classification Sherloc (09022015). Collection method: clinical testing. Allele origin: germline.
Comment: This sequence change replaces leucine, which is neutral and non-polar, with proline, which is neutral and non-polar, at codon 1092 of the RTEL1 protein (p.Leu1092Pro). An algorithm developed to predict the effect of missense changes on protein structure and function (PolyPhen-2) suggests that this variant is likely to be disruptive. This variant is present in population databases (no rsID available, gnomAD 0.0009%). ClinVar contains an entry for this variant (Variation ID: 1695937). This variant has not been reported in the literature in individuals affected with RTEL1-related conditions. In summary, the available evidence is currently insufficient to determine the role of this variant in disease. Therefore, it has been classified as a Variant of Uncertain Significance.

Garcia Pulmonary Genetics Research Laboratory, Columbia University Irving Medical Center
Classification: Likely risk allele for Pulmonary fibrosis. Last evaluated: 2022-06-09. Review status: no assertion criteria provided. Collection method: research. Allele origin: germline. Affected: yes. Not counted in ClinVar's aggregate classification.

NM_001283009.2(RTEL1):c.3275T>C (p.Leu1092Pro)

Genes: RTEL1 (regulator of telomere elongation helicase 1; plus strand), RTEL1-TNFRSF6B (RTEL1-TNFRSF6B readthrough (NMD candidate); plus strand). Cytogenetic location: 20q13.33.
Variant type: single nucleotide variant.
Coding change: c.3275T>C on transcript NM_001283009.2 (MANE Select); coding-DNA position 3275, T replaced by C.
Protein change: p.Leu1092Pro; replaces leucine 1092 with proline.
Molecular consequence: missense variant. On other transcripts: non-coding transcript variant (1).
Genome position (GRCh38, 1-based): chr20:63,694,906, T>C. VCF-style: chr20-63694906-T-C. GRCh37 (hg19) VCF-style: chr20-62326259-T-C.
Other names: p.Leu1092Pro; c.2606T>C, p.Leu869Pro (NM_001283010.1); c.3275T>C, p.Leu1092Pro (NM_016434.4); c.3347T>C, p.Leu1116Pro (NM_032957.5); short protein forms L1092P, L1116P, L869P.
Identifiers: ClinVar variation 1695937 (VCV001695937.5), dbSNP rs1366738999, ClinGen allele CA409685099.
Genomic context (GRCh38, chr20:63,694,906, plus strand): 5'-GGTCCGCGGGCTGTAGCCAACTCTTGGCAGCGCTGACAGCCTATAAGCAAGACGACGACC[T>C]CGACAAGGTGCTGGCTGTGTTGGCCGCCCTGACCACTGCAAAGCCAGAGGACTTCCCCCT-3'
Protein context (NP_001269938.1, residues 1082-1102): ALTAYKQDDD[Leu1092Pro]DKVLAVLAAL